The following is an entry in ClinVar:

ClinVar aggregate classification (germline): Uncertain significance. Review status: criteria provided, multiple submitters, no conflicts (2 of 4 stars). 3 submissions from 3 submitters: Uncertain significance (3). Last evaluated 2025-11-05.

Conditions:
Neurodevelopmental disorder. Identifiers: MedGen C1535926, MeSH D065886, MONDO:0700092.
Seizures, benign familial infantile, 5 (BFIS5). Also called: CONVULSIONS, BENIGN FAMILIAL INFANTILE, 5. Identifiers: Orphanet 306, MedGen C4310728, MONDO:0014903, OMIM 617080.
Cognitive impairment with or without cerebellar ataxia (CIAT). Identifiers: MedGen C3280415, MONDO:0013680, OMIM 614306.
Developmental and epileptic encephalopathy, 13 (DEE13). Also called: SCN8A-Related Epilepsy; Developmental and Epileptic Encephalopathy (SCN8A-DEE); Early infantile epileptic encephalopathy 13. Identifiers: Orphanet 442835, MedGen C3281191, MONDO:0013801, OMIM 614558.
Early-infantile DEE. Also called: Early infantile epileptic encephalopathy; Early infantile epileptic encephalopathy with suppression bursts; Ohtahara syndrome. Identifiers: Orphanet 1934, MedGen C0393706, MONDO:0800491.

Allele frequency attached by ClinVar (database versions not stated): TOPMed below 0.00001; gnomAD exomes 0.00001.
gnomAD v4.1: 8 of 1,614,046 alleles (0.0005%); highest among the groups gnomAD compares: Non-Finnish European, 0.00068%; no homozygotes.

Submissions (3):

Clinical Genomics Laboratory, Washington University in St. Louis
Classification: Uncertain significance for Cognitive impairment with or without cerebellar ataxia; Developmental and epileptic encephalopathy, 13; Seizures, benign familial infantile, 5. Last evaluated: 2025-11-05. Review status: criteria provided, single submitter. Criteria: ACMG Guidelines, 2015. Collection method: clinical testing. Allele origin: germline.
Comment: The SCN8A c.5015A>G (p.Asn1672Ser) variant, to our knowledge, has not been reported in the medical literature. This variant is absent from the general population (gnomAD v2.1.1), indicating it is not a common variant. Computational predictors indicate that the variant is damaging, evidence that correlates with impact on SCN8A function. This variant has been reported in the ClinVar database as a germline variant of uncertain significance by two submitters. Due to limited information, and based on ACMG/AMP guidelines for variant interpretation (Richards S et al., PMID: 25741868), the clinical significance of this variant is uncertain at this time.

Labcorp Genetics (formerly Invitae), Labcorp
Classification: Uncertain significance for Early-infantile DEE. Last evaluated: 2025-02-26. Review status: criteria provided, single submitter. Criteria: Invitae Variant Classification Sherloc (09022015). Collection method: clinical testing. Allele origin: germline.
Comment: This sequence change replaces asparagine, which is neutral and polar, with serine, which is neutral and polar, at codon 1672 of the SCN8A protein (p.Asn1672Ser). This variant is not present in population databases (gnomAD no frequency). This missense change has been observed in individual(s) with clinical features of SCN8A-related conditions (PMID: 34431999). In at least one individual the variant was observed to be de novo. ClinVar contains an entry for this variant (Variation ID: 654395). Invitae Evidence Modeling of protein sequence and biophysical properties (such as structural, functional, and spatial information, amino acid conservation, physicochemical variation, residue mobility, and thermodynamic stability) indicates that this missense variant is not expected to disrupt SCN8A protein function with a negative predictive value of 95%. In summary, the available evidence is currently insufficient to determine the role of this variant in disease. Therefore, it has been classified as a Variant of Uncertain Significance.

Laboratory of Molecular Genetics (Pr. Bezieau's lab), CHU de Nantes
Classification: Uncertain significance for Neurodevelopmental disorder. Last evaluated: 2023-02-06. Review status: criteria provided, single submitter. Criteria: ACMG Guidelines, 2015. Collection method: clinical testing. Allele origin: germline. Affected: yes.

Literature cited by the submitters: PubMed 34431999 (cited by Labcorp Genetics (formerly Invitae), Labcorp).

NM_001330260.2(SCN8A):c.5015A>G (p.Asn1672Ser)

Gene: SCN8A (sodium voltage-gated channel alpha subunit 8; plus strand). Cytogenetic location: 12q13.13.
Variant type: single nucleotide variant.
Coding change: c.5015A>G on transcript NM_001330260.2 (MANE Select); coding-DNA position 5015, A replaced by G.
Protein change: p.Asn1672Ser; replaces asparagine 1672 with serine.
Molecular consequence: missense variant.
Genome position (GRCh38, 1-based): chr12:51,806,501, A>G. VCF-style: chr12-51806501-A-G. GRCh37 (hg19) VCF-style: chr12-52200285-A-G.
Other names: c.4892A>G, p.Asn1631Ser (NM_001177984.3, NM_001369788.1); c.5015A>G, p.Asn1672Ser (NM_014191.4); short protein forms N1631S, N1672S.
Identifiers: ClinVar variation 654395 (VCV000654395.13), dbSNP rs1592174367, ClinGen allele CA384882430.